The following is an entry in ClinVar:

ClinVar aggregate classification (germline): Uncertain significance (1 of 4 stars; one submission).

Conditions:
Inborn genetic diseases. Identifiers: MedGen C0950123, MeSH D030342.

Allele frequency attached by ClinVar (database versions not stated): TOPMed below 0.00001; gnomAD 0.00001; gnomAD exomes 0.00002.
gnomAD v4.1: 23 of 1,613,954 alleles (0.0014%); highest among the groups gnomAD compares: Non-Finnish European, 0.0019%; no homozygotes.

Submission:

Ambry Genetics
Classification: Uncertain significance for Inborn genetic diseases. Last evaluated: 2021-02-26. Review status: criteria provided, single submitter. Criteria: Ambry Variant Classification Scheme 2023. Collection method: clinical testing. Allele origin: germline.
Comment: The c.5360A>G (p.K1787R) alteration is located in exon 1 (coding exon 1) of the TCF20 gene. This alteration results from a A to G substitution at nucleotide position 5360, causing the lysine (K) at amino acid position 1787 to be replaced by an arginine (R). The p.K1787R alteration is predicted to be tolerated by in silico analysis. Based on insufficient or conflicting evidence, the clinical significance of this alteration remains unclear.

NM_001378418.1(TCF20):c.5360A>G (p.Lys1787Arg)

Gene: TCF20 (transcription factor 20; minus strand). Cytogenetic location: 22q13.2.
Variant type: single nucleotide variant.
Coding change: c.5360A>G on transcript NM_001378418.1 (MANE Select); coding-DNA position 5360, A replaced by G.
Protein change: p.Lys1787Arg; replaces lysine 1787 with arginine.
Molecular consequence: missense variant.
Genome position (GRCh38, 1-based): chr22:42,209,946, T>C on the plus strand (A>G on the coding strand, the complement: TCF20 is on the minus strand). VCF-style: chr22-42209946-T-C. GRCh37 (hg19) VCF-style: chr22-42605952-T-C.
Other names: c.5360A>G, p.Lys1787Arg (NM_005650.4, NM_181492.3); short protein forms K1787R.
Identifiers: ClinVar variation 2229280 (VCV002229280.2), dbSNP rs1920928065, ClinGen allele CA411781620.
Genomic context (GRCh38, chr22:42,209,946, plus strand): 5'-GGGAGCCCCCTGGACAGGGACCGAGGGCCTCCACCACAGTCTTCCGAGCGGTGGCGCCGC[T>C]TAAACCTGGGGTGTGCGGCCAGGCTTCTCTGCTCCTTCTGCTGCTGCTGCTGCTCTTCCT-3'
Protein context (NP_001365347.1, residues 1777-1797): QRSLAAHPRF[Lys1787Arg]RRHRSEDCGG